The following is an entry in ClinVar:

ClinVar aggregate classification (germline): Uncertain significance. Review status: criteria provided, multiple submitters, no conflicts (2 of 4 stars). 2 submissions from 2 submitters: Uncertain significance (2). Last evaluated 2025-12-10.

Conditions:
DNAJB11-related disorder. Also called: DNAJB11-related condition.

Allele frequency attached by ClinVar (database versions not stated): TOPMed 0.00002; gnomAD 0.00003; gnomAD exomes 0.00003; ExAC 0.00005; ESP Exome Variant Server 0.00015.
gnomAD v4.1: 51 of 1,593,922 alleles (0.0032%); highest among the groups gnomAD compares: Non-Finnish European, 0.0041%; no homozygotes.

Submissions (2):

PreventionGenetics, part of Exact Sciences
Classification: Uncertain significance for DNAJB11-related condition. Last evaluated: 2025-12-10. Review status: criteria provided, single submitter. Criteria: ACMG Guidelines, 2015. Collection method: clinical testing. Allele origin: germline.
Comment: The DNAJB11 c.895C>G variant is predicted to result in the amino acid substitution p.Leu299Val. This variant was reported in an individual with chronic kidney disease (Table S1, Popp et al. 2022. PubMed ID: 36100708). This variant is reported in 0.0081% of alleles in individuals of European (Non-Finnish) descent in gnomAD. At this time, the clinical significance of this variant is uncertain due to the absence of conclusive functional and genetic evidence.

Labcorp Genetics (formerly Invitae), Labcorp
Classification: Uncertain significance. Last evaluated: 2022-10-07. Review status: criteria provided, single submitter. Criteria: Invitae Variant Classification Sherloc (09022015). Collection method: clinical testing. Allele origin: germline.
Comment: In summary, the available evidence is currently insufficient to determine the role of this variant in disease. Therefore, it has been classified as a Variant of Uncertain Significance. Advanced modeling of protein sequence and biophysical properties (such as structural, functional, and spatial information, amino acid conservation, physicochemical variation, residue mobility, and thermodynamic stability) performed at Invitae indicates that this missense variant is not expected to disrupt DNAJB11 protein function. This variant has not been reported in the literature in individuals affected with DNAJB11-related conditions. This variant is present in population databases (rs149504761, gnomAD 0.007%). This sequence change replaces leucine, which is neutral and non-polar, with valine, which is neutral and non-polar, at codon 299 of the DNAJB11 protein (p.Leu299Val).

NM_016306.6(DNAJB11):c.895C>G (p.Leu299Val)

Gene: DNAJB11 (DnaJ heat shock protein family (Hsp40) member B11; plus strand). Cytogenetic location: 3q27.3.
Variant type: single nucleotide variant.
Coding change: c.895C>G on transcript NM_016306.6 (MANE Select); coding-DNA position 895, C replaced by G.
Protein change: p.Leu299Val; replaces leucine 299 with valine.
Molecular consequence: missense variant. On other transcripts: non-coding transcript variant (6).
Genome position (GRCh38, 1-based): chr3:186,584,472, C>G. VCF-style: chr3-186584472-C-G. GRCh37 (hg19) VCF-style: chr3-186302261-C-G.
Other names: c.895C>G (NM_016306.5); c.619C>G, p.Leu207Val (NM_001378451.1); short protein forms L207V, L299V.
Identifiers: ClinVar variation 1988863 (VCV001988863.5), dbSNP rs149504761, ClinGen allele CA2744613.